The following is an entry in ClinVar:

NM_016579.4(CD320):c.202G>A (p.Val68Met)

Gene: CD320 (CD320 molecule; minus strand). Cytogenetic location: 19p13.2.
Variant type: single nucleotide variant.
Coding change: c.202G>A on transcript NM_016579.4 (MANE Select); coding-DNA position 202, G replaced by A.
Protein change: p.Val68Met; replaces valine 68 with methionine.
Molecular consequence: missense variant. On other transcripts: intron variant (1).
Genome position (GRCh38, 1-based): chr19:8,305,097, C>T on the plus strand (G>A on the coding strand, the complement: CD320 is on the minus strand). VCF-style: chr19-8305097-C-T. GRCh37 (hg19) VCF-style: chr19-8369981-C-T.
Other names: c.143-1009G>A (NM_001165895.2); short protein forms V68M.
Identifiers: ClinVar variation 661454 (VCV000661454.8), dbSNP rs748020753, ClinGen allele CA9154808.

ClinVar aggregate classification (germline): Uncertain significance (1 of 4 stars; one submission).

Conditions:
Methylmalonic acidemia due to transcobalamin receptor defect (MATR). Also called: METHYLMALONIC ACIDURIA, TRANSIENT, DUE TO TRANSCOBALAMIN RECEPTOR DEFECT; METHYLMALONIC ACIDEMIA, TCblR TYPE. Identifiers: Orphanet 280183, MedGen C4749905, MONDO:0013341, OMIM 613646.

Allele frequency attached by ClinVar (database versions not stated): gnomAD exomes below 0.00001; ExAC 0.00001; gnomAD 0.00001; TOPMed 0.00001.
gnomAD v4.1: 21 of 1,613,018 alleles (0.0013%); highest among the groups gnomAD compares: Non-Finnish European, 0.0017%; no homozygotes.

Submission:

Labcorp Genetics (formerly Invitae), Labcorp
Classification: Uncertain significance for Methylmalonic acidemia due to transcobalamin receptor defect. Last evaluated: 2024-01-04. Review status: criteria provided, single submitter. Criteria: Invitae Variant Classification Sherloc (09022015). Collection method: clinical testing. Allele origin: germline.
Comment: This sequence change replaces valine, which is neutral and non-polar, with methionine, which is neutral and non-polar, at codon 68 of the CD320 protein (p.Val68Met). This variant is present in population databases (rs748020753, gnomAD 0.0009%). This variant has not been reported in the literature in individuals affected with CD320-related conditions. ClinVar contains an entry for this variant (Variation ID: 661454). Algorithms developed to predict the effect of missense changes on protein structure and function output the following: SIFT: "Not Available"; PolyPhen-2: "Possibly Damaging"; Align-GVGD: "Not Available". The methionine amino acid residue is found in multiple mammalian species, which suggests that this missense change does not adversely affect protein function. In summary, the available evidence is currently insufficient to determine the role of this variant in disease. Therefore, it has been classified as a Variant of Uncertain Significance.